The following is an entry in ClinVar:

NM_022552.5(DNMT3A):c.367G>C (p.Glu123Gln)

Gene: DNMT3A (DNA methyltransferase 3 alpha; minus strand). Cytogenetic location: 2p23.3.
Variant type: single nucleotide variant.
Coding change: c.367G>C on transcript NM_022552.5 (MANE Select); coding-DNA position 367, G replaced by C.
Protein change: p.Glu123Gln; replaces glutamic acid 123 with glutamine.
Molecular consequence: missense variant. On other transcripts: non-coding transcript variant (1).
Genome position (GRCh38, 1-based): chr2:25,282,522, C>G on the plus strand (G>C on the coding strand, the complement: DNMT3A is on the minus strand). VCF-style: chr2-25282522-C-G. GRCh37 (hg19) VCF-style: chr2-25505391-C-G.
Other names: c.367G>C, p.Glu123Gln (NM_001320892.2, NM_175629.2, NM_175630.1); short protein forms E123Q.
Identifiers: ClinVar variation 2904792 (VCV002904792.3), dbSNP rs1363297854, ClinGen allele CA346083806.

ClinVar aggregate classification (germline): Uncertain significance (1 of 4 stars; one submission).

Conditions:
Tatton-Brown-Rahman overgrowth syndrome. Also called: Tall stature-intellectual disability-facial dysmorphism syndrome; Tatton-Brown-Rahman syndrome. Identifiers: Orphanet 404443, MedGen C4014545, MONDO:0014382, OMIM 615879.

gnomAD v4.1: 2 of 1,613,448 alleles (0.00012%); highest among the groups gnomAD compares: Admixed American, 0.0017%; no homozygotes.

Submission:

Labcorp Genetics (formerly Invitae), Labcorp
Classification: Uncertain significance for Tatton-Brown-Rahman overgrowth syndrome. Last evaluated: 2023-02-11. Review status: criteria provided, single submitter. Criteria: Invitae Variant Classification Sherloc (09022015). Collection method: clinical testing. Allele origin: germline.
Comment: This variant is not present in population databases (gnomAD no frequency). In summary, the available evidence is currently insufficient to determine the role of this variant in disease. Therefore, it has been classified as a Variant of Uncertain Significance. Algorithms developed to predict the effect of missense changes on protein structure and function (SIFT, PolyPhen-2, Align-GVGD) all suggest that this variant is likely to be tolerated. This variant has not been reported in the literature in individuals affected with DNMT3A-related conditions. This sequence change replaces glutamic acid, which is acidic and polar, with glutamine, which is neutral and polar, at codon 123 of the DNMT3A protein (p.Glu123Gln).